The following is an entry in ClinVar:

NC_000002.11:g.(?_238271294)_(238275426_?)del

Gene: COL6A3 (collagen type VI alpha 3 chain; minus strand). Cytogenetic location: 2q37.3.
Variant type: Deletion.
Identifiers: ClinVar variation 3247418 (VCV003247418.1).

ClinVar aggregate classification (germline): Likely pathogenic (1 of 4 stars; one submission).

Conditions:
Bethlem myopathy 1A. Also called: MYOPATHY, BENIGN CONGENITAL, WITH CONTRACTURES; Bethlem myopathy 1; Bethlem Muscular Dystrophy. Identifiers: Orphanet 610, MedGen CN029274, MONDO:0024530, OMIM 158810.

Submission:

Labcorp Genetics (formerly Invitae), Labcorp
Classification: Likely pathogenic for Bethlem myopathy 1A. Last evaluated: 2022-08-16. Review status: criteria provided, single submitter. Criteria: Invitae Variant Classification Sherloc (09022015). Collection method: clinical testing. Allele origin: unknown.
Comment: In summary, the currently available evidence indicates that the variant is pathogenic, but additional data are needed to prove that conclusively. Therefore, this variant has been classified as Likely Pathogenic. This variant has not been observed in the literature in individuals with autosomal recessive COL6A3-related conditions. This variant has been reported in individual(s) with clinical features of autosomal dominant COL6A3-related conditions (Invitae); however, the role of the variant in this condition is currently unclear. This variant results in the deletion of exons 12-14 and part of exon 11 (c.5404_6063+602del) of the COL6A3 gene. It is expected to disrupt RNA splicing. Variants that disrupt the donor or acceptor splice site typically lead to a loss of protein function (PMID: 16199547), and loss-of-function variants in COL6A3 are known to be pathogenic (PMID: 26004199).

Literature cited by the submitters: PubMed 16199547; PubMed 26004199.